The following is an entry in ClinVar:

ClinVar aggregate classification (germline): Uncertain significance (1 of 4 stars; one submission).

Submission:

Labcorp Genetics (formerly Invitae), Labcorp
Classification: Uncertain significance. Last evaluated: 2023-11-27. Review status: criteria provided, single submitter. Criteria: Invitae Variant Classification Sherloc (09022015). Collection method: clinical testing. Allele origin: germline.
Comment: This sequence change replaces asparagine, which is neutral and polar, with lysine, which is basic and polar, at codon 4932 of the FAT4 protein (p.Asn4932Lys). This variant is present in population databases (no rsID available, gnomAD 0.0009%). This variant has not been reported in the literature in individuals affected with FAT4-related conditions. ClinVar contains an entry for this variant (Variation ID: 1952719). Advanced modeling of protein sequence and biophysical properties (such as structural, functional, and spatial information, amino acid conservation, physicochemical variation, residue mobility, and thermodynamic stability) performed at Invitae indicates that this missense variant is not expected to disrupt FAT4 protein function with a negative predictive value of 95%. In summary, the available evidence is currently insufficient to determine the role of this variant in disease. Therefore, it has been classified as a Variant of Uncertain Significance.

NM_001291303.3(FAT4):c.14802C>A (p.Asn4934Lys)

Gene: FAT4 (FAT atypical cadherin 4; plus strand). Cytogenetic location: 4q28.1.
Variant type: single nucleotide variant.
Coding change: c.14802C>A on transcript NM_001291303.3 (MANE Select); coding-DNA position 14802, C replaced by A.
Protein change: p.Asn4934Lys; replaces asparagine 4934 with lysine.
Molecular consequence: missense variant.
Genome position (GRCh38, 1-based): chr4:125,491,618, C>A. VCF-style: chr4-125491618-C-A. GRCh37 (hg19) VCF-style: chr4-126412773-C-A.
Other names: c.14799C>A, p.Asn4933Lys (NM_001291285.3); c.14796C>A, p.Asn4932Lys (NM_024582.6); short protein forms N4933K, N4932K, N4934K.
Identifiers: ClinVar variation 1952719 (VCV001952719.5), dbSNP rs753842030, ClinGen allele CA104876964.